The following is an entry in ClinVar:

NM_020774.4(MIB1):c.658G>C (p.Asp220His)

Gene: MIB1 (MIB E3 ubiquitin protein ligase 1; plus strand). Cytogenetic location: 18q11.2.
Variant type: single nucleotide variant.
Coding change: c.658G>C on transcript NM_020774.4 (MANE Select); coding-DNA position 658, G replaced by C.
Protein change: p.Asp220His; replaces aspartic acid 220 with histidine.
Molecular consequence: missense variant.
Genome position (GRCh38, 1-based): chr18:21,778,124, G>C. VCF-style: chr18-21778124-G-C. GRCh37 (hg19) VCF-style: chr18-19358085-G-C.
Other names: short protein forms D220H.
Identifiers: ClinVar variation 2448807 (VCV002448807.2), dbSNP rs762463590, ClinGen allele CA8908080.

ClinVar aggregate classification (germline): Uncertain significance (1 of 4 stars; one submission).

Conditions:
Inborn genetic diseases. Identifiers: MedGen C0950123, MeSH D030342.

Allele frequency attached by ClinVar (database versions not stated): gnomAD exomes below 0.00001; ExAC 0.00002.

Submission:

Ambry Genetics
Classification: Uncertain significance for Inborn genetic diseases. Last evaluated: 2022-11-19. Review status: criteria provided, single submitter. Criteria: Ambry Variant Classification Scheme 2023. Collection method: clinical testing. Allele origin: germline.
Comment: The p.D220H variant (also known as c.658G>C), located in coding exon 5 of the MIB1 gene, results from a G to C substitution at nucleotide position 658. The aspartic acid at codon 220 is replaced by histidine, an amino acid with similar properties. This amino acid position is conserved. In addition, the in silico prediction for this alteration is inconclusive. Since supporting evidence is limited at this time, the clinical significance of this alteration remains unclear.